The following is an entry in ClinVar:

NM_001018113.3(FANCB):c.850C>G (p.Pro284Ala)

Gene: FANCB (FA complementation group B; minus strand). Cytogenetic location: Xp22.2.
Variant type: single nucleotide variant.
Coding change: c.850C>G on transcript NM_001018113.3 (MANE Select); coding-DNA position 850, C replaced by G.
Protein change: p.Pro284Ala; replaces proline 284 with alanine.
Molecular consequence: missense variant.
Genome position (GRCh38, 1-based): chrX:14,864,661, G>C on the plus strand (C>G on the coding strand, the complement: FANCB is on the minus strand). VCF-style: chrX-14864661-G-C. GRCh37 (hg19) VCF-style: chrX-14882783-G-C.
Other names: c.850C>G, p.Pro284Ala (NM_001324162.2, NM_001410764.1, NM_152633.4); short protein forms P284A.
Identifiers: ClinVar variation 2660042 (VCV002660042.24), dbSNP rs2519009617, ClinGen allele CA412443567.

ClinVar aggregate classification (germline): Uncertain significance (1 of 4 stars; one submission).

Submission:

CeGaT Center for Human Genetics Tuebingen
Classification: Uncertain significance. Last evaluated: 2022-03-01. Review status: criteria provided, single submitter. Criteria: CeGaT Center For Human Genetics Tuebingen Variant Classification Criteria Version 2. Collection method: clinical testing. Allele origin: germline. Affected: yes. Observed: 1 variant allele.
Comment: FANCB: PM2, BP4